The following is an entry in ClinVar:

NM_000834.5(GRIN2B):c.3400C>G (p.Leu1134Val)

Gene: GRIN2B (glutamate ionotropic receptor NMDA type subunit 2B; minus strand). Cytogenetic location: 12p13.1.
Variant type: single nucleotide variant.
Coding change: c.3400C>G on transcript NM_000834.5 (MANE Select); coding-DNA position 3400, C replaced by G.
Protein change: p.Leu1134Val; replaces leucine 1134 with valine.
Molecular consequence: missense variant.
Genome position (GRCh38, 1-based): chr12:13,563,838, G>C on the plus strand (C>G on the coding strand, the complement: GRIN2B is on the minus strand). VCF-style: chr12-13563838-G-C. GRCh37 (hg19) VCF-style: chr12-13716772-G-C.
Other names: short protein forms L1134V.
Identifiers: ClinVar variation 572639 (VCV000572639.9), dbSNP rs979079013, ClinGen allele CA233133770.
Genomic context (GRCh38, chr12:13,563,838, plus strand): 5'-TGTCGGTCAGGTCTACGTGCTCCCAGTGGGGTGAGTTCTCCTTTGTTCGGAACTGGTCCA[G>C]GTAGAAGTCCCGTAGCCCTTCCTTGTCCCTGAAGTAGCGCTTGTGGTCAGGGGAGCGGGG-3'
Protein context (NP_000825.2, residues 1124-1144): RDKEGLRDFY[Leu1134Val]DQFRTKENSP

ClinVar aggregate classification (germline): Uncertain significance (1 of 4 stars; one submission).

Conditions:
Intellectual developmental disorder, autosomal dominant 6, with or without seizures. Also called: Intellectual disability, autosomal dominant 6; GRIN2B-related developmental delay, intellectual disability and autism spectrum disorder. Identifiers: Orphanet 589547, MedGen C3151411, MONDO:0013509, OMIM 613970.
Developmental and epileptic encephalopathy, 27 (DEE27). Also called: Epileptic encephalopathy, early infantile, 27; GRIN2B-Related Neurodevelopmental Disorder. Identifiers: Orphanet 3451, MedGen C4015316, MONDO:0014505, OMIM 616139.

Submission:

Labcorp Genetics (formerly Invitae), Labcorp
Classification: Uncertain significance for Developmental and epileptic encephalopathy, 27; Intellectual developmental disorder, autosomal dominant 6, with or without seizures. Last evaluated: 2020-08-26. Review status: criteria provided, single submitter. Criteria: Invitae Variant Classification Sherloc (09022015). Collection method: clinical testing. Allele origin: germline.
Comment: In summary, the available evidence is currently insufficient to determine the role of this variant in disease. Therefore, it has been classified as a Variant of Uncertain Significance. Algorithms developed to predict the effect of missense changes on protein structure and function are either unavailable or do not agree on the potential impact of this missense change (SIFT: "Tolerated"; PolyPhen-2: "Possibly Damaging"; Align-GVGD: "Class C0"). This variant has not been reported in the literature in individuals with GRIN2B-related disease. This variant is not present in population databases (ExAC no frequency). This sequence change replaces leucine with valine at codon 1134 of the GRIN2B protein (p.Leu1134Val). The leucine residue is moderately conserved and there is a small physicochemical difference between leucine and valine.